The following is an entry in ClinVar:

ClinVar aggregate classification (germline): Uncertain significance. Review status: criteria provided, multiple submitters, no conflicts (2 of 4 stars). 4 submissions from 4 submitters: Uncertain significance (4). Last evaluated 2025-02-07.

Conditions:
Spastic paraplegia. Identifiers: MedGen C0037772, HP:0001258.
Congenital bile acid synthesis defect 3. Identifiers: Orphanet 79302, MedGen C3151147, MONDO:0013439, OMIM 613812.
Inborn genetic diseases. Identifiers: MedGen C0950123, MeSH D030342.

Allele frequency attached by ClinVar (database versions not stated): gnomAD exomes 0.00001 and 0.00002; ExAC 0.00002; ESP Exome Variant Server 0.00008; gnomAD 0.00014 and 0.00016; TOPMed 0.00014; 1000 Genomes Project 30x 0.00016; 1000 Genomes Project 0.00020.
gnomAD v4.1: 40 of 1,611,888 alleles (0.0025%); highest among the groups gnomAD compares: African/African-American, 0.049%; no homozygotes.

Submissions (4):

Ambry Genetics
Classification: Uncertain significance for Inborn genetic diseases. Last evaluated: 2025-02-07. Review status: criteria provided, single submitter. Criteria: Ambry Variant Classification Scheme 2023. Collection method: clinical testing. Allele origin: germline.

Labcorp Genetics (formerly Invitae), Labcorp
Classification: Uncertain significance for Spastic paraplegia. Last evaluated: 2022-03-28. Review status: criteria provided, single submitter. Criteria: Invitae Variant Classification Sherloc (09022015). Collection method: clinical testing. Allele origin: germline.
Comment: This sequence change replaces lysine, which is basic and polar, with threonine, which is neutral and polar, at codon 117 of the CYP7B1 protein (p.Lys117Thr). This variant is present in population databases (rs138977616, gnomAD 0.03%). This variant has not been reported in the literature in individuals affected with CYP7B1-related conditions. ClinVar contains an entry for this variant (Variation ID: 595578). Algorithms developed to predict the effect of missense changes on protein structure and function are either unavailable or do not agree on the potential impact of this missense change (SIFT: "Tolerated"; PolyPhen-2: "Possibly Damaging"; Align-GVGD: "Class C0"). In summary, the available evidence is currently insufficient to determine the role of this variant in disease. Therefore, it has been classified as a Variant of Uncertain Significance.

Baylor Genetics
Classification: Uncertain significance for Congenital bile acid synthesis defect 3. Last evaluated: 2018-08-24. Review status: criteria provided, single submitter. Criteria: ACMG Guidelines, 2015. Collection method: clinical testing. Allele origin: unknown. Affected: yes.
Comment: This variant was determined to be of uncertain significance according to ACMG Guidelines, 2015 [PMID:25741868].

Eurofins Ntd Llc (ga)
Classification: Uncertain significance. Last evaluated: 2017-12-26. Review status: criteria provided, single submitter. Criteria: EGL Classification Definitions 2015. Collection method: clinical testing. Allele origin: germline. Observed: 1 variant allele, 1 heterozygote.

NM_004820.5(CYP7B1):c.350A>C (p.Lys117Thr)

Gene: CYP7B1 (cytochrome P450 family 7 subfamily B member 1; minus strand). Cytogenetic location: 8q12.3.
Variant type: single nucleotide variant.
Coding change: c.350A>C on transcript NM_004820.5 (MANE Select); coding-DNA position 350, A replaced by C.
Protein change: p.Lys117Thr; replaces lysine 117 with threonine.
Molecular consequence: missense variant.
Genome position (GRCh38, 1-based): chr8:64,616,191, T>G on the plus strand (A>C on the coding strand, the complement: CYP7B1 is on the minus strand). VCF-style: chr8-64616191-T-G. GRCh37 (hg19) VCF-style: chr8-65528748-T-G.
Other names: c.350A>C, p.Lys117Thr (NM_001324112.2); short protein forms K117T.
Identifiers: ClinVar variation 595578 (VCV000595578.8), dbSNP rs138977616, ClinGen allele CA4764223.